The following is an entry in ClinVar:

NM_023110.3(FGFR1):c.937-1214G>A

Gene: FGFR1 (fibroblast growth factor receptor 1; minus strand). Cytogenetic location: 8p11.23.
Variant type: single nucleotide variant.
Coding change: c.937-1214G>A on transcript NM_023110.3 (MANE Select); 1214 bases into the intron before coding-DNA position 937, G replaced by A.
Molecular consequence: intron variant.
Genome position (GRCh38, 1-based): chr8:38,423,155, C>T on the plus strand (G>A on the coding strand, the complement: FGFR1 is on the minus strand). VCF-style: chr8-38423155-C-T. GRCh37 (hg19) VCF-style: chr8-38280673-C-T.
Other names: c.670-1214G>A (NM_001174066.2, NM_023105.3); c.931-1214G>A (NM_001354369.2, NM_001410922.1, NM_001174065.2 and 2 more transcripts); c.1030-1214G>A (NM_001174067.2); c.664-1214G>A (NM_001354368.2, NM_001354370.2, NM_023106.3); c.937-1214G>A (NM_001174063.2); c.913-1214G>A (NM_001174064.2).
Identifiers: ClinVar variation 3388266 (VCV003388266.14).

ClinVar aggregate classification (germline): Likely benign (1 of 4 stars; one submission).

gnomAD v4.1: 91 of 779,462 alleles (0.012%); highest among the groups gnomAD compares: African/African-American, 0.052%; no homozygotes.

Submission:

CeGaT Center for Human Genetics Tuebingen
Classification: Likely benign. Last evaluated: 2025-09-01. Review status: criteria provided, single submitter. Criteria: CeGaT Center For Human Genetics Tuebingen Variant Classification Criteria Version 2. Collection method: clinical testing. Allele origin: germline. Affected: yes. Observed: 2 variant alleles.
Comment: FGFR1: BP4, BS1